The following is an entry in ClinVar:

ClinVar aggregate classification (germline): Benign/Likely benign. Review status: criteria provided, multiple submitters, no conflicts (2 of 4 stars). 3 submissions from 3 submitters: Benign (1); Likely benign (2). Last evaluated 2024-08-21.

Conditions:
Familial cancer of breast. Also called: BREAST CANCER, FAMILIAL; hereditary breast carcinoma; Hereditary breast cancer. Identifiers: Orphanet 227535, MedGen C0346153, MONDO:0016419, OMIM 114480. Disease mechanism: loss of function.
Fanconi anemia complementation group J. Also called: BRIP1-Related Fanconi Anemia. Identifiers: Orphanet 84, MedGen C1836860, MONDO:0012187, OMIM 609054.
Hereditary cancer-predisposing syndrome. Also called: Neoplastic Syndromes, Hereditary; Hereditary neoplastic syndrome; Tumor predisposition; Hereditary Cancer Syndrome. Identifiers: Orphanet 140162, MedGen C0027672, MeSH D009386, MONDO:0015356.

Allele frequency attached by ClinVar (database versions not stated): gnomAD exomes below 0.00001; TOPMed below 0.00001.
gnomAD v4.1: 3 of 1,613,554 alleles (0.00019%); highest among the groups gnomAD compares: African/African-American, 0.0027%; no homozygotes.

Submissions (3):

Myriad Genetics, Inc.
Classification: Benign for Familial cancer of breast. Last evaluated: 2024-08-21. Review status: criteria provided, single submitter. Criteria: Myriad Autosomal Dominant, Autosomal Recessive and X-Linked Classification Criteria (2023). Collection method: clinical testing. Allele origin: unknown.
Comment: This variant is considered benign. This variant is a silent/synonymous amino acid change and it is not expected to impact splicing.

Labcorp Genetics (formerly Invitae), Labcorp
Classification: Likely benign for Familial cancer of breast; Fanconi anemia complementation group J. Last evaluated: 2024-02-15. Review status: criteria provided, single submitter. Criteria: Invitae Variant Classification Sherloc (09022015). Collection method: clinical testing. Allele origin: germline.

Ambry Genetics
Classification: Likely benign for Hereditary cancer-predisposing syndrome. Last evaluated: 2020-03-16. Review status: criteria provided, single submitter. Criteria: Ambry Variant Classification Scheme 2023. Collection method: clinical testing. Allele origin: germline.

NM_032043.3(BRIP1):c.543C>T (p.His181=)

Gene: BRIP1 (BRCA1 interacting DNA helicase 1; minus strand). Cytogenetic location: 17q23.2.
Variant type: single nucleotide variant.
Coding change: c.543C>T on transcript NM_032043.3 (MANE Select); coding-DNA position 543, C replaced by T.
Protein change: p.His181=; no amino-acid change (histidine 181 retained).
Molecular consequence: synonymous variant.
Genome position (GRCh38, 1-based): chr17:61,847,185, G>A on the plus strand (C>T on the coding strand, the complement: BRIP1 is on the minus strand). VCF-style: chr17-61847185-G-A. GRCh37 (hg19) VCF-style: chr17-59924546-G-A.
Identifiers: ClinVar variation 530365 (VCV000530365.13), dbSNP rs1285947952, ClinGen allele CA501150656.